The following is an entry in ClinVar:

ClinVar aggregate classification (germline): Uncertain significance (1 of 4 stars; one submission).

Conditions:
Multiple congenital exostosis (EXT). Also called: Hereditary multiple osteochondromas; Multiple exostoses; Multiple osteochondromas; MULTIPLE CARTILAGINOUS EXOSTOSES; Hereditary multiple exostoses; Hereditary multiple exostosis. Identifiers: Orphanet 321, MedGen C0015306, MONDO:0005508, HP:0002762.

Submission:

Labcorp Genetics (formerly Invitae), Labcorp
Classification: Uncertain significance for Multiple congenital exostosis. Last evaluated: 2022-05-14. Review status: criteria provided, single submitter. Criteria: Invitae Variant Classification Sherloc (09022015). Collection method: clinical testing. Allele origin: germline.
Comment: A copy number gain of the genomic region encompassing the full coding sequence of the EXT1 gene has been identified. The boundaries of this event are unknown as they extend beyond the assayed region for this gene and therefore may encompass additional genes. As the precise location of this event is unknown, it may be in tandem or it may be located elsewhere in the genome. This variant has not been reported in the literature in individuals affected with EXT1-related conditions. Experimental studies and prediction algorithms are not available or were not evaluated, and the functional significance of this variant is currently unknown. In summary, the available evidence is currently insufficient to determine the role of this variant in disease. Therefore, it has been classified as a Variant of Uncertain Significance.

NC_000008.10:g.(?_117647788)_(120797526_?)dup

Genes: AARD (alanine and arginine rich domain containing protein; plus strand), CCN3 (cellular communication network factor 3; plus strand), COLEC10 (collectin subfamily member 10; plus strand), EIF3H (eukaryotic translation initiation factor 3 subunit H; minus strand), ENPP2 (ectonucleotide pyrophosphatase/phosphodiesterase 2; minus strand) and 9 more. Cytogenetic location: 8q23.3-24.12.
Variant type: Duplication.
Identifiers: ClinVar variation 2422394 (VCV002422394.3).